The following is an entry in ClinVar:

NM_016203.4(PRKAG2):c.846C>T (p.Val282=)

Gene: PRKAG2 (protein kinase AMP-activated non-catalytic subunit gamma 2; minus strand). Cytogenetic location: 7q36.1.
Variant type: single nucleotide variant.
Coding change: c.846C>T on transcript NM_016203.4 (MANE Select); coding-DNA position 846, C replaced by T.
Protein change: p.Val282=; no amino-acid change (valine 282 retained).
Molecular consequence: synonymous variant.
Genome position (GRCh38, 1-based): chr7:151,595,363, G>A on the plus strand (C>T on the coding strand, the complement: PRKAG2 is on the minus strand). VCF-style: chr7-151595363-G-A. GRCh37 (hg19) VCF-style: chr7-151292449-G-A.
Other names: c.714C>T, p.Val238= (NM_001040633.2); c.471C>T, p.Val157= (NM_001304527.2); c.123C>T, p.Val41= (NM_001304531.2, NM_024429.2); c.474C>T, p.Val158= (NM_001363698.2).
Identifiers: ClinVar variation 629522 (VCV000629522.10), dbSNP rs1563213791, ClinGen allele CA458670402.
Genomic context (GRCh38, chr7:151,595,363, plus strand): 5'-CCAAAAAATACCAAAAAATTCATGAAAATGGAGTACACTTACTTGTAATGTAGTATCAAA[G>A]ACAACAAGCTTTGAACTGGTTGGAACGATGTCATAACACTTGTGTGACCTCATGAATCGC-3'
Protein context (NP_057287.2, residues 272-292): DIVPTSSKLV[Val282=]FDTTLQVKKA

ClinVar aggregate classification (germline): Likely benign. Review status: criteria provided, multiple submitters, no conflicts (2 of 4 stars). 3 submissions from 3 submitters: Likely benign (3). Last evaluated 2025-10-21.

Conditions:
Cardiomyopathy (CMYO). Also called: Cardiomyopathies. Identifiers: Orphanet 167848, MedGen C0878544, MONDO:0004994, HP:0001638. Inheritance: Various modes of inheritance.
Lethal congenital glycogen storage disease of heart. Also called: GLYCOGEN STORAGE DISEASE OF HEART; PHOSPHORYLASE KINASE DEFICIENCY OF HEART. Identifiers: Orphanet 439854, MedGen C1849813, MONDO:0009867, OMIM 261740.
Hypertrophic cardiomyopathy. Also called: HYPERTROPHIC MYOCARDIOPATHY. Identifiers: Orphanet 217569, MedGen C0007194, MeSH D002312, MONDO:0005045, HP:0001639.

Allele frequency attached by ClinVar (database versions not stated): TOPMed 0.00001.

Submissions (3):

Labcorp Genetics (formerly Invitae), Labcorp
Classification: Likely benign for Lethal congenital glycogen storage disease of heart. Last evaluated: 2025-10-21. Review status: criteria provided, single submitter. Criteria: Invitae Variant Classification Sherloc (09022015). Collection method: clinical testing. Allele origin: germline.

All of Us Research Program, National Institutes of Health
Classification: Likely benign for Hypertrophic cardiomyopathy. Last evaluated: 2023-08-15. Review status: criteria provided, single submitter. Criteria: ACMG Guidelines, 2015. Collection method: clinical testing. Allele origin: germline. Inheritance: Autosomal dominant inheritance. Observed: 1 variant allele, 1 heterozygote.
Comment: This study involves interpretation of variants in research participants for the purpose of population health screening. Participant phenotype was not available at the time of variant classification. Additional details can be found in publication PMID: 35346344, PMCID: PMC8962531

Color Diagnostics, LLC DBA Color Health
Classification: Likely benign for Cardiomyopathy. Last evaluated: 2018-10-15. Review status: criteria provided, single submitter. Criteria: ACMG Guidelines, 2015. Collection method: clinical testing. Allele origin: germline.